The following is an entry in ClinVar:

ClinVar aggregate classification (germline): Uncertain significance (1 of 4 stars; one submission).

Conditions:
Baller-Gerold syndrome (BGS). Also called: CRANIOSYNOSTOSIS WITH RADIAL DEFECTS. Identifiers: Orphanet 1225, MedGen C0265308, MONDO:0009039, OMIM 218600.

Submission:

Labcorp Genetics (formerly Invitae), Labcorp
Classification: Uncertain significance for Baller-Gerold syndrome. Last evaluated: 2024-10-15. Review status: criteria provided, single submitter. Criteria: Invitae Variant Classification Sherloc (09022015). Collection method: clinical testing. Allele origin: germline.
Comment: This sequence change replaces alanine, which is neutral and non-polar, with glycine, which is neutral and non-polar, at codon 204 of the RECQL4 protein (p.Ala204Gly). This variant is not present in population databases (gnomAD no frequency). This variant has not been reported in the literature in individuals affected with RECQL4-related conditions. ClinVar contains an entry for this variant (Variation ID: 575352). Invitae Evidence Modeling of protein sequence and biophysical properties (such as structural, functional, and spatial information, amino acid conservation, physicochemical variation, residue mobility, and thermodynamic stability) indicates that this missense variant is not expected to disrupt RECQL4 protein function with a negative predictive value of 80%. In summary, the available evidence is currently insufficient to determine the role of this variant in disease. Therefore, it has been classified as a Variant of Uncertain Significance.

NM_004260.4(RECQL4):c.611C>G (p.Ala204Gly)

Gene: RECQL4 (RecQ like helicase 4; minus strand). Cytogenetic location: 8q24.3.
Variant type: single nucleotide variant.
Coding change: c.611C>G on transcript NM_004260.4 (MANE Select); coding-DNA position 611, C replaced by G.
Protein change: p.Ala204Gly; replaces alanine 204 with glycine.
Molecular consequence: missense variant.
Genome position (GRCh38, 1-based): chr8:144,516,508, G>C on the plus strand (C>G on the coding strand, the complement: RECQL4 is on the minus strand). VCF-style: chr8-144516508-G-C. GRCh37 (hg19) VCF-style: chr8-145741892-G-C.
Other names: short protein forms A204G.
Identifiers: ClinVar variation 575352 (VCV000575352.6), dbSNP rs757780731, ClinGen allele CA372690091.